The following is an entry in ClinVar:

NM_001458.5(FLNC):c.3114G>A (p.Val1038=)

Gene: FLNC (filamin C; plus strand). Cytogenetic location: 7q32.1.
Variant type: single nucleotide variant.
Coding change: c.3114G>A on transcript NM_001458.5 (MANE Select); coding-DNA position 3114, G replaced by A.
Protein change: p.Val1038=; no amino-acid change (valine 1038 retained).
Molecular consequence: synonymous variant.
Genome position (GRCh38, 1-based): chr7:128,844,188, G>A. VCF-style: chr7-128844188-G-A. GRCh37 (hg19) VCF-style: chr7-128484242-G-A.
Other names: c.3114G>A, p.Val1038= (NM_001127487.2).
Identifiers: ClinVar variation 668466 (VCV000668466.13), dbSNP rs376516180, ClinGen allele CA4474955.
Genomic context (GRCh38, chr7:128,844,188, plus strand): 5'-CGGTGGAGCGGAAGCCCAGGCTGTGCGCTACATGCCCCCGGAGGAGGGGCCCTACAAGGT[G>A]GATATCACCTACGATGGTCACCCGGTGCCTGGCAGCCCGTTTGCTGTGGAGGGTGTCCTG-3'
Protein context (NP_001449.3, residues 1028-1048): YMPPEEGPYK[Val1038=]DITYDGHPVP

ClinVar aggregate classification (germline): Conflicting classifications of pathogenicity. Review status: criteria provided, conflicting classifications (1 of 4 stars). 3 submissions from 3 submitters: Uncertain significance (1); Likely benign (2). Last evaluated 2026-01-10.

Conditions:
Cardiovascular phenotype. Identifiers: MedGen CN230736.
Myofibrillar myopathy 5. Also called: FILAMINOPATHY, AUTOSOMAL DOMINANT; Filaminopathy (type). Identifiers: Orphanet 171445, MedGen C1836050, MONDO:0012289, OMIM 609524.
Distal myopathy with posterior leg and anterior hand involvement. Also called: WILLIAMS DISTAL MYOPATHY. Identifiers: Orphanet 63273, MedGen C3279722, MONDO:0013550, OMIM 614065.
Hypertrophic cardiomyopathy 26. Also called: Cardiomyopathy, familial hypertrophic, 26. Identifiers: Orphanet 75249, MedGen C4310749, MONDO:0014883, OMIM 617047.

Allele frequency attached by ClinVar (database versions not stated): TOPMed 0.00001; ESP Exome Variant Server 0.00008.

Submissions (3):

Labcorp Genetics (formerly Invitae), Labcorp
Classification: Likely benign for Distal myopathy with posterior leg and anterior hand involvement; Myofibrillar myopathy 5; Hypertrophic cardiomyopathy 26. Last evaluated: 2026-01-10. Review status: criteria provided, single submitter. Criteria: Invitae Variant Classification Sherloc (09022015). Collection method: clinical testing. Allele origin: germline.

Ambry Genetics
Classification: Uncertain significance for Cardiovascular phenotype. Last evaluated: 2022-01-27. Review status: criteria provided, single submitter. Criteria: Ambry Variant Classification Scheme 2023. Collection method: clinical testing. Allele origin: germline.
Comment: The c.3114G>A variant (also known as p.V1038V), located in coding exon 20 of the FLNC gene, results from a G to A substitution at nucleotide position 3114. This nucleotide substitution does not change the valine at codon 1038. This nucleotide position is well conserved in available vertebrate species. In silico splice site analysis predicts that this alteration will result in the creation or strengthening of a novel splice donor site. Since supporting evidence is limited at this time, the clinical significance of this alteration remains unclear.

GeneDx
Classification: Likely benign. Last evaluated: 2018-05-14. Review status: criteria provided, single submitter. Criteria: GeneDx Variant Classification (06012015). Collection method: clinical testing. Allele origin: germline. Affected: yes.
Comment: This variant is considered likely benign or benign based on one or more of the following criteria: it is a conservative change, it occurs at a poorly conserved position in the protein, it is predicted to be benign by multiple in silico algorithms, and/or has population frequency not consistent with disease.